The following is an entry in ClinVar:

NM_004006.3(DMD):c.3175A>G (p.Thr1059Ala)

Gene: DMD (dystrophin; minus strand). Cytogenetic location: Xp21.1.
Variant type: single nucleotide variant.
Coding change: c.3175A>G on transcript NM_004006.3 (MANE Select); coding-DNA position 3175, A replaced by G.
Protein change: p.Thr1059Ala; replaces threonine 1059 with alanine.
Molecular consequence: missense variant.
Genome position (GRCh38, 1-based): chrX:32,464,687, T>C on the plus strand (A>G on the coding strand, the complement: DMD is on the minus strand). VCF-style: chrX-32464687-T-C. GRCh37 (hg19) VCF-style: chrX-32482804-T-C.
Other names: c.3151A>G, p.Thr1051Ala (NM_000109.4); c.3163A>G, p.Thr1055Ala (NM_004009.3); c.2806A>G, p.Thr936Ala (NM_004010.3); c.3175A>G (NM_004006.2); short protein forms T1051A, T1055A, T1059A, T936A.
Identifiers: ClinVar variation 1024683 (VCV001024683.12), dbSNP rs763548540, ClinGen allele CA10379333.

ClinVar aggregate classification (germline): Conflicting classifications of pathogenicity. Review status: criteria provided, conflicting classifications (1 of 4 stars). 3 submissions from 3 submitters: Uncertain significance (1); Likely benign (1). 1 of the submissions does not count toward it. Last evaluated 2022-11-01.

Conditions:
Cardiomyopathy (CMYO). Also called: Cardiomyopathies. Identifiers: Orphanet 167848, MedGen C0878544, MONDO:0004994, HP:0001638. Inheritance: Various modes of inheritance.
Dystrophin deficiency.
Duchenne muscular dystrophy (DMD). Also called: MUSCULAR DYSTROPHY, PSEUDOHYPERTROPHIC PROGRESSIVE, DUCHENNE TYPE; Duchenne Muscular Dystrophy (DMD). Identifiers: Orphanet 98896, MedGen C0013264, MONDO:0010679, OMIM 310200.
Becker muscular dystrophy (BMD). Also called: Becker Muscular Dystrophy (BMD); MUSCULAR DYSTROPHY, PSEUDOHYPERTROPHIC PROGRESSIVE, BECKER TYPE. Identifiers: Orphanet 98895, MedGen C0917713, MONDO:0010311, OMIM 300376.
Cardiovascular phenotype. Identifiers: MedGen CN230736.

Allele frequency attached by ClinVar (database versions not stated): ExAC 0.00001; gnomAD exomes 0.00001; TOPMed 0.00002; gnomAD 0.00003.
gnomAD v4.1: 10 of 1,194,902 alleles (0.00084%); highest among the groups gnomAD compares: African/African-American, 0.0018%; no homozygotes.

Submissions (3):

Labcorp Genetics (formerly Invitae), Labcorp
Classification: Likely benign for Duchenne muscular dystrophy. Last evaluated: 2022-11-01. Review status: criteria provided, single submitter. Criteria: Invitae Variant Classification Sherloc (09022015). Collection method: clinical testing. Allele origin: germline.

Ambry Genetics
Classification: Uncertain significance for Cardiovascular phenotype. Last evaluated: 2022-01-12. Review status: criteria provided, single submitter. Criteria: Ambry Variant Classification Scheme 2023. Collection method: clinical testing. Allele origin: germline.
Comment: The p.T1059A variant (also known as c.3175A>G), located in coding exon 24 of the DMD gene, results from an A to G substitution at nucleotide position 3175. The threonine at codon 1059 is replaced by alanine, an amino acid with similar properties. Based on data from gnomAD, the G allele has an overall frequency <0.001% (1/183166) total alleles studied, with 1 hemizygote observed. The highest observed frequency was 0.008% (1/13161) of African/ African American alleles. This amino acid position is well conserved in available vertebrate species. In addition, this alteration is predicted to be tolerated by in silico analysis. Since supporting evidence is limited at this time, the clinical significance of this alteration remains unclear.

Natera, Inc.
Classification: Uncertain significance for Becker muscular dystrophy; Cardiomyopathy; Duchenne muscular dystrophy; Dystrophin deficiency. Last evaluated: 2019-07-23. Review status: no assertion criteria provided. Collection method: clinical testing. Allele origin: germline. Not counted in ClinVar's aggregate classification.